The following is an entry in ClinVar:

NM_014055.4(IFT81):c.1850A>C (p.Lys617Thr)

Gene: IFT81 (intraflagellar transport 81; plus strand). Cytogenetic location: 12q24.11.
Variant type: single nucleotide variant.
Coding change: c.1850A>C on transcript NM_014055.4 (MANE Select); coding-DNA position 1850, A replaced by C.
Protein change: p.Lys617Thr; replaces lysine 617 with threonine.
Molecular consequence: missense variant. On other transcripts: non-coding transcript variant (4).
Genome position (GRCh38, 1-based): chr12:110,218,045, A>C. VCF-style: chr12-110218045-A-C. GRCh37 (hg19) VCF-style: chr12-110655850-A-C.
Other names: c.1850A>C, p.Lys617Thr (NM_001143779.2); c.920A>C, p.Lys307Thr (NM_001347947.2, NM_001347948.2); c.1850A>C (NM_014055.3); short protein forms K617T, K307T.
Identifiers: ClinVar variation 1463109 (VCV001463109.7), dbSNP rs761868806, ClinGen allele CA6783521.

ClinVar aggregate classification (germline): Uncertain significance. Review status: criteria provided, multiple submitters, no conflicts (2 of 4 stars). 2 submissions from 2 submitters: Uncertain significance (2). Last evaluated 2023-02-28.

Conditions:
Inborn genetic diseases. Identifiers: MedGen C0950123, MeSH D030342.

Allele frequency attached by ClinVar (database versions not stated): ExAC 0.00001; gnomAD 0.00001; gnomAD exomes 0.00001; TOPMed 0.00001.

Submissions (2):

Ambry Genetics
Classification: Uncertain significance for Inborn genetic diseases. Last evaluated: 2023-02-28. Review status: criteria provided, single submitter. Criteria: Ambry Variant Classification Scheme 2023. Collection method: clinical testing. Allele origin: germline.

Labcorp Genetics (formerly Invitae), Labcorp
Classification: Uncertain significance. Last evaluated: 2022-06-27. Review status: criteria provided, single submitter. Criteria: Invitae Variant Classification Sherloc (09022015). Collection method: clinical testing. Allele origin: germline.
Comment: In summary, the available evidence is currently insufficient to determine the role of this variant in disease. Therefore, it has been classified as a Variant of Uncertain Significance. Algorithms developed to predict the effect of missense changes on protein structure and function output the following: SIFT: "Tolerated"; PolyPhen-2: "Benign"; Align-GVGD: "Class C0". The threonine amino acid residue is found in multiple mammalian species, which suggests that this missense change does not adversely affect protein function. This variant has not been reported in the literature in individuals affected with IFT81-related conditions. The frequency data for this variant in the population databases is considered unreliable, as metrics indicate poor data quality at this position in the gnomAD database. This sequence change replaces lysine, which is basic and polar, with threonine, which is neutral and polar, at codon 617 of the IFT81 protein (p.Lys617Thr).